The following is an entry in ClinVar:

ClinVar aggregate classification (germline): Conflicting classifications of pathogenicity. Review status: criteria provided, conflicting classifications (1 of 4 stars). 7 submissions from 7 submitters: Uncertain significance (4); Likely benign (2). 1 of the submissions does not count toward it. Last evaluated 2025-09-30.

Conditions:
NOTCH3-related disorder. Also called: NOTCH3-related condition; NOTCH3-related disorders.
Inborn genetic diseases. Identifiers: MedGen C0950123, MeSH D030342.
Myofibromatosis, infantile, 2. Identifiers: Orphanet 2591, MedGen C3809084, MONDO:0014122, OMIM 615293.
Cerebral arteriopathy, autosomal dominant, with subcortical infarcts and leukoencephalopathy, type 1 (CADASIL1). Also called: Cerebral arteriopathy with subcortical infarcts and leukoencephalopathy 1; DEMENTIA, HEREDITARY MULTIINFARCT TYPE; CADASIL 1; CASIL. Identifiers: Orphanet 136, MedGen C4551768, MONDO:0000914, OMIM 125310.
Lateral meningocele syndrome (LMNS). Also called: NOTCH3-Related Lateral Meningocele Syndrome. Identifiers: Orphanet 2789, MedGen C1851710, MONDO:0007537, OMIM 130720.

Allele frequency attached by ClinVar (database versions not stated): gnomAD 0.00006; TOPMed 0.00010.
gnomAD v4.1: 72 of 1,540,770 alleles (0.0047%); highest among the groups gnomAD compares: Middle Eastern, 0.035%; no homozygotes.

Submissions (7):

Labcorp Genetics (formerly Invitae), Labcorp
Classification: Likely benign. Last evaluated: 2025-09-30. Review status: criteria provided, single submitter. Criteria: Invitae Variant Classification Sherloc (09022015). Collection method: clinical testing. Allele origin: germline.

Mayo Clinic Laboratories, Mayo Clinic
Classification: Likely benign. Last evaluated: 2025-07-08. Review status: criteria provided, single submitter. Criteria: ACMG Guidelines, 2015. Collection method: clinical testing. Allele origin: germline. Observed: 3 variant alleles.
Comment: BS2, BP1

Ambry Genetics
Classification: Uncertain significance for Inborn genetic diseases. Last evaluated: 2023-03-21. Review status: criteria provided, single submitter. Criteria: Ambry Variant Classification Scheme 2023. Collection method: clinical testing. Allele origin: germline.

Fulgent Genetics
Classification: Uncertain significance for Cerebral arteriopathy, autosomal dominant, with subcortical infarcts and leukoencephalopathy, type 1; Lateral meningocele syndrome; Myofibromatosis, infantile, 2. Last evaluated: 2022-03-04. Review status: criteria provided, single submitter. Criteria: ACMG Guidelines, 2015. Collection method: clinical testing. Allele origin: unknown.

CeGaT Center for Human Genetics Tuebingen
Classification: Uncertain significance. Last evaluated: 2019-06-01. Review status: criteria provided, single submitter. Criteria: CeGaT Center For Human Genetics Tuebingen Variant Classification Criteria Version 2. Collection method: clinical testing. Allele origin: germline. Affected: yes. Observed: 1 variant allele.

Illumina Laboratory Services, Illumina
Classification: Uncertain significance for Cerebral arteriopathy, autosomal dominant, with subcortical infarcts and leukoencephalopathy, type 1. Last evaluated: 2018-01-13. Review status: criteria provided, single submitter. Criteria: ICSL Variant Classification Criteria 13 December 2019. Collection method: clinical testing. Allele origin: germline.

PreventionGenetics, part of Exact Sciences
Classification: Likely benign for NOTCH3-related condition. Last evaluated: 2022-10-12. Review status: no assertion criteria provided. Collection method: clinical testing. Allele origin: germline. Not counted in ClinVar's aggregate classification.
Comment: This variant is classified as likely benign based on ACMG/AMP sequence variant interpretation guidelines (Richards et al. 2015 PMID: 25741868, with internal and published modifications).

NM_000435.3(NOTCH3):c.6619C>T (p.Arg2207Trp)

Gene: NOTCH3 (notch receptor 3; minus strand). Cytogenetic location: 19p13.12.
Variant type: single nucleotide variant.
Coding change: c.6619C>T on transcript NM_000435.3 (MANE Select); coding-DNA position 6619, C replaced by T.
Protein change: p.Arg2207Trp; replaces arginine 2207 with tryptophan.
Molecular consequence: missense variant.
Genome position (GRCh38, 1-based): chr19:15,161,009, G>A on the plus strand (C>T on the coding strand, the complement: NOTCH3 is on the minus strand). VCF-style: chr19-15161009-G-A. GRCh37 (hg19) VCF-style: chr19-15271820-G-A.
Other names: p.Arg2207Trp; short protein forms R2207W.
Identifiers: ClinVar variation 808490 (VCV000808490.56), dbSNP rs753170185, ClinGen allele CA9262340.
Genomic context (GRCh38, chr19:15,161,009, plus strand): 5'-GTGCCCCAGCCGCCGGGTACTCCTCGCCATGTCCTGGGACTGCCAGGTAAGGCGGGGGCC[G>A]CTCCTGCGGGGAGACGGGGGTCCCTGGGTTGAGCAGCTGGGGTCCCGGCGCCAGTGGCAG-3'
Protein context (NP_000426.2, residues 2197-2217): NPGTPVSPQE[Arg2207Trp]PPPYLAVPGH